The following is an entry in ClinVar:

ClinVar aggregate classification (germline): Uncertain significance (1 of 4 stars; one submission).

Conditions:
Emery-Dreifuss muscular dystrophy 5, autosomal dominant (EDMD5). Also called: EMERY-DREIFUSS MUSCULAR DYSTROPHY 5. Identifiers: Orphanet 261, MedGen C2751805, MONDO:0013072, OMIM 612999.

Allele frequency attached by ClinVar (database versions not stated): gnomAD exomes below 0.00001; ExAC 0.00001; TOPMed 0.00001.
gnomAD v4.1: 6 of 1,614,056 alleles (0.00037%); highest among the groups gnomAD compares: Non-Finnish European, 0.00051%; no homozygotes.

Submission:

Labcorp Genetics (formerly Invitae), Labcorp
Classification: Uncertain significance for Emery-Dreifuss muscular dystrophy 5, autosomal dominant. Last evaluated: 2025-03-07. Review status: criteria provided, single submitter. Criteria: Invitae Variant Classification Sherloc (09022015). Collection method: clinical testing. Allele origin: germline.
Comment: This sequence change replaces asparagine, which is neutral and polar, with lysine, which is basic and polar, at codon 2207 of the SYNE2 protein (p.Asn2207Lys). This variant is present in population databases (rs758732743, gnomAD 0.003%). This variant has not been reported in the literature in individuals affected with SYNE2-related conditions. ClinVar contains an entry for this variant (Variation ID: 1952639). An algorithm developed to predict the effect of missense changes on protein structure and function outputs the following: PolyPhen-2: "Possibly Damaging". The lysine amino acid residue is found in multiple mammalian species, which suggests that this missense change does not adversely affect protein function. In summary, the available evidence is currently insufficient to determine the role of this variant in disease. Therefore, it has been classified as a Variant of Uncertain Significance.

NM_182914.3(SYNE2):c.6621C>G (p.Asn2207Lys)

Gene: SYNE2 (spectrin repeat containing nuclear envelope protein 2; plus strand). Cytogenetic location: 14q23.2.
Variant type: single nucleotide variant.
Coding change: c.6621C>G on transcript NM_182914.3 (MANE Select); coding-DNA position 6621, C replaced by G.
Protein change: p.Asn2207Lys; replaces asparagine 2207 with lysine.
Molecular consequence: missense variant.
Genome position (GRCh38, 1-based): chr14:64,027,700, C>G. VCF-style: chr14-64027700-C-G. GRCh37 (hg19) VCF-style: chr14-64494418-C-G.
Other names: c.6621C>G, p.Asn2207Lys (NM_015180.6); short protein forms N2207K.
Identifiers: ClinVar variation 1952639 (VCV001952639.5), dbSNP rs758732743, ClinGen allele CA7220733.